The following is an entry in ClinVar:

NM_032172.3(USP42):c.3045C>T (p.Gly1015=)

Gene: USP42 (ubiquitin specific peptidase 42; plus strand). Cytogenetic location: 7p22.1.
Variant type: single nucleotide variant.
Coding change: c.3045C>T on transcript NM_032172.3 (MANE Select); coding-DNA position 3045, C replaced by T.
Protein change: p.Gly1015=; no amino-acid change (glycine 1015 retained).
Molecular consequence: synonymous variant.
Genome position (GRCh38, 1-based): chr7:6,154,599, C>T. VCF-style: chr7-6154599-C-T. GRCh37 (hg19) VCF-style: chr7-6194230-C-T.
Other names: NC_000007.13:g.6194230C>T; c.3045C>T, p.Gly1015= (NM_001365764.1, NM_001389650.1).
Identifiers: ClinVar variation 2657297 (VCV002657297.25), dbSNP rs199684634, ClinGen allele CA4152470.
Genomic context (GRCh38, chr7:6,154,599, plus strand): 5'-CCCGGAGCACCACCCCGGCCACGGCGACAGGCTCAGCCCTGGCGAGCGCCGCTCTCTGGG[C>T]AGGTGCAGTCACCACCACTCCCGACACCGGAGCGGGGTGGAGCTGGACTGGGTCAGACAC-3'
Protein context (NP_115548.1, residues 1005-1025): RLSPGERRSL[Gly1015=]RCSHHHSRHR

ClinVar aggregate classification (germline): Likely benign (1 of 4 stars; one submission).

Allele frequency attached by ClinVar (database versions not stated): 1000 Genomes Project 0.00200; 1000 Genomes Project 30x 0.00219; ESP Exome Variant Server 0.00448; gnomAD 0.00555; TOPMed 0.00575; gnomAD exomes 0.00669; ExAC 0.01165.
gnomAD v4.1: 10,477 of 1,583,398 alleles (0.66%); highest among the groups gnomAD compares: Non-Finnish European, 0.75%; 48 homozygotes.

Submissions (4):

CeGaT Center for Human Genetics Tuebingen
Classification: Likely benign. Last evaluated: 2022-11-01. Review status: criteria provided, single submitter. Criteria: CeGaT Center For Human Genetics Tuebingen Variant Classification Criteria Version 2. Collection method: clinical testing. Allele origin: germline. Affected: yes. Observed: 2 variant alleles.
Comment: USP42: BP4, BP7

Dr. Peter K. Rogan Lab, Western University
No classification provided (evidence only). Condition: Cervical cancer. Review status: no classification provided. Collection method: in vitro. Allele origin: not applicable. Functional consequence: retained intron. Not counted in ClinVar's aggregate classification.

Dr. Peter K. Rogan Lab, Western University
No classification provided (evidence only). Condition: Sarcoma. Review status: no classification provided. Collection method: in vitro. Allele origin: not applicable. Functional consequence: skipped exon, retained intron. Not counted in ClinVar's aggregate classification.

Dr. Peter K. Rogan Lab, Western University
No classification provided (evidence only). Condition: Hepatocellular carcinoma. Review status: no classification provided. Collection method: in vitro. Allele origin: not applicable. Functional consequence: retained intron. Not counted in ClinVar's aggregate classification.